The following is an entry in ClinVar:

ClinVar aggregate classification (germline): Uncertain significance (1 of 4 stars; one submission).

Submission:

Labcorp Genetics (formerly Invitae), Labcorp
Classification: Uncertain significance. Last evaluated: 2023-07-29. Review status: criteria provided, single submitter. Criteria: Invitae Variant Classification Sherloc (09022015). Collection method: clinical testing. Allele origin: germline.
Comment: This sequence change replaces glutamic acid, which is acidic and polar, with valine, which is neutral and non-polar, at codon 667 of the PRPF3 protein (p.Glu667Val). This variant is not present in population databases (gnomAD no frequency). This variant has not been reported in the literature in individuals affected with PRPF3-related conditions. Advanced modeling of protein sequence and biophysical properties (such as structural, functional, and spatial information, amino acid conservation, physicochemical variation, residue mobility, and thermodynamic stability) has been performed at Invitae for this missense variant, however the output from this modeling did not meet the statistical confidence thresholds required to predict the impact of this variant on PRPF3 protein function. In summary, the available evidence is currently insufficient to determine the role of this variant in disease. Therefore, it has been classified as a Variant of Uncertain Significance.

NM_004698.4(PRPF3):c.2000A>T (p.Glu667Val)

Gene: PRPF3 (pre-mRNA processing factor 3; plus strand). Cytogenetic location: 1q21.2.
Variant type: single nucleotide variant.
Coding change: c.2000A>T on transcript NM_004698.4 (MANE Select); coding-DNA position 2000, A replaced by T.
Protein change: p.Glu667Val; replaces glutamic acid 667 with valine.
Molecular consequence: missense variant. On other transcripts: non-coding transcript variant (4).
Genome position (GRCh38, 1-based): chr1:150,352,927, A>T. VCF-style: chr1-150352927-A-T. GRCh37 (hg19) VCF-style: chr1-150325403-A-T.
Other names: c.1595A>T, p.Glu532Val (NM_001350529.1); short protein forms E532V, E667V.
Identifiers: ClinVar variation 3009055 (VCV003009055.3), dbSNP rs2525277312, ClinGen allele CA342291049.
Genomic context (GRCh38, chr1:150,352,927, plus strand): 5'-AGTTTAAACAGTGTCCTACAGAGAACATGGCTCGTGAGCATTTCAAAAAGCATGGGGCTG[A>T]ACACTACTGGGACCTTGCGCTGAGTGAATCTGTGTTAGAGTCCACTGATTGAGACTACTG-3'
Protein context (NP_004689.1, residues 657-677): AREHFKKHGA[Glu667Val]HYWDLALSES